The following is an entry in ClinVar:

ClinVar aggregate classification (germline): Benign/Likely benign. Review status: criteria provided, multiple submitters, no conflicts (2 of 4 stars). 3 submissions from 3 submitters: Benign (2); Likely benign (1). Last evaluated 2026-02-03.

Conditions:
Combined oxidative phosphorylation defect type 27. Also called: Combined oxidative phosphorylation deficiency 27. Identifiers: Orphanet 477774, MedGen C5567608, MONDO:0014728, OMIM 616672.

Allele frequency attached by ClinVar (database versions not stated): gnomAD exomes 0.00059 and 0.00171; ExAC 0.00212; gnomAD 0.00676 and 0.00724; 1000 Genomes Project 0.00679; 1000 Genomes Project 30x 0.00718; TOPMed 0.00774; ESP Exome Variant Server 0.00930.
gnomAD v4.1: 1,923 of 1,610,536 alleles (0.12%); highest among the groups gnomAD compares: African/African-American, 2.3%; 25 homozygotes.

Submissions (5):

Labcorp Genetics (formerly Invitae), Labcorp
Classification: Benign for Combined oxidative phosphorylation defect type 27. Last evaluated: 2026-02-03. Review status: criteria provided, single submitter. Criteria: Invitae Variant Classification Sherloc (09022015). Collection method: clinical testing. Allele origin: germline.

Center for Pediatric Genomic Medicine, Children's Mercy Hospital and Clinics
Classification: Likely benign. Last evaluated: 2017-05-03. Review status: criteria provided, single submitter. Criteria: ACMG Guidelines, 2015. Collection method: clinical testing. Allele origin: germline.

GeneDx
Classification: Benign. Last evaluated: 2017-03-15. Review status: criteria provided, single submitter. Criteria: GeneDx Variant Classification (06012015). Collection method: clinical testing. Allele origin: germline. Affected: yes.
Comment: This variant is considered likely benign or benign based on one or more of the following criteria: it is a conservative change, it occurs at a poorly conserved position in the protein, it is predicted to be benign by multiple in silico algorithms, and/or has population frequency not consistent with disease.

Dr. Peter K. Rogan Lab, Western University
No classification provided (evidence only). Condition: Familial cancer of breast. Review status: no classification provided. Collection method: in vitro. Allele origin: not applicable. Functional consequence: retained intron. Not counted in ClinVar's aggregate classification.

Dr. Peter K. Rogan Lab, Western University
No classification provided (evidence only). Condition: Gastric cancer. Review status: no classification provided. Collection method: in vitro. Allele origin: not applicable. Functional consequence: retained intron. Not counted in ClinVar's aggregate classification.

NM_024537.4(CARS2):c.1624-12C>G

Gene: CARS2 (cysteinyl-tRNA synthetase 2, mitochondrial; minus strand). Cytogenetic location: 13q34.
Variant type: single nucleotide variant.
Coding change: c.1624-12C>G on transcript NM_024537.4 (MANE Select); 12 bases into the intron before coding-DNA position 1624, C replaced by G.
Molecular consequence: intron variant.
Genome position (GRCh38, 1-based): chr13:110,641,620, G>C on the plus strand (C>G on the coding strand, the complement: CARS2 is on the minus strand). VCF-style: chr13-110641620-G-C. GRCh37 (hg19) VCF-style: chr13-111293967-G-C.
Other names: c.838-12C>G (NM_001352252.2).
Identifiers: ClinVar variation 445841 (VCV000445841.11), dbSNP rs115116722, ClinGen allele CA7051571.
Genomic context (GRCh38, chr13:110,641,620, plus strand): 5'-TTGTCCTTTGATCCAGCAGTTCCCACGTGGATGTTGTACTGCTTCTGTCCTGGAGAAGAA[G>C]AGTGAGGTCCAACTCTGAGCAGACACCACGTCATGTGGCACAGGGGGCTGACAGGCGTAA-3'